The following is an entry in ClinVar:

NM_007194.4(CHEK2):c.511A>T (p.Asn171Tyr)

Gene: CHEK2 (checkpoint kinase 2; minus strand). Cytogenetic location: 22q12.1.
Variant type: single nucleotide variant.
Coding change: c.511A>T on transcript NM_007194.4 (MANE Select); coding-DNA position 511, A replaced by T.
Protein change: p.Asn171Tyr; replaces asparagine 171 with tyrosine.
Molecular consequence: missense variant. On other transcripts: 5 prime UTR variant (2), intron variant (1).
Genome position (GRCh38, 1-based): chr22:28,725,058, T>A on the plus strand (A>T on the coding strand, the complement: CHEK2 is on the minus strand). VCF-style: chr22-28725058-T-A. GRCh37 (hg19) VCF-style: chr22-29121046-T-A.
Other names: c.640A>T, p.Asn214Tyr (NM_001005735.3, NM_001438294.1); c.-267A>T (NM_001257387.3); c.-153A>T (NM_001437942.1); c.604A>T, p.Asn202Tyr (NM_001438293.1, NM_001438295.1); c.511A>T, p.Asn171Tyr (NM_145862.3); c.445-135A>T (NM_001349956.3); short protein forms N171Y, N202Y, N214Y.
Identifiers: ClinVar variation 4634869 (VCV004634869.1).

ClinVar aggregate classification (germline): Uncertain significance (1 of 4 stars; one submission).

Conditions:
Hereditary cancer-predisposing syndrome. Also called: Neoplastic Syndromes, Hereditary; Tumor predisposition; Hereditary Cancer Syndrome; Hereditary neoplastic syndrome. Identifiers: Orphanet 140162, MedGen C0027672, MeSH D009386, MONDO:0015356.

Submission:

Ambry Genetics
Classification: Uncertain significance for Hereditary cancer-predisposing syndrome. Last evaluated: 2025-10-23. Review status: criteria provided, single submitter. Criteria: Ambry Variant Classification Scheme 2023. Collection method: clinical testing. Allele origin: germline.
Comment: The p.N171Y variant (also known as c.511A>T), located in coding exon 3 of the CHEK2 gene, results from an A to T substitution at nucleotide position 511. The asparagine at codon 171 is replaced by tyrosine, an amino acid with dissimilar properties. This amino acid position is conserved. In addition, this alteration is predicted to be deleterious by in silico analysis. Based on the available evidence, the clinical significance of this variant remains unclear.